The following is an entry in ClinVar:

ClinVar aggregate classification (germline): Uncertain significance (1 of 4 stars; one submission).

Conditions:
Dilated cardiomyopathy 1G (CMD1G). Identifiers: Orphanet 154, MedGen C1858763, MONDO:0011400, OMIM 604145.
Autosomal recessive limb-girdle muscular dystrophy type 2J (LGMDR10). Also called: MUSCULAR DYSTROPHY, LIMB-GIRDLE, AUTOSOMAL RECESSIVE 10; Limb-girdle muscular dystrophy, type 2J. Identifiers: Orphanet 140922, MedGen C1837342, MONDO:0012127, OMIM 608807.

Allele frequency attached by ClinVar (database versions not stated): gnomAD 0.00001; TOPMed 0.00001.
gnomAD v4.1: 1 of 1,613,890 alleles (0.000062%); highest among the groups gnomAD compares: African/African-American, 0.0013%; no homozygotes.

Submission:

Labcorp Genetics (formerly Invitae), Labcorp
Classification: Uncertain significance for Dilated cardiomyopathy 1G; Autosomal recessive limb-girdle muscular dystrophy type 2J. Last evaluated: 2024-09-11. Review status: criteria provided, single submitter. Criteria: Invitae Variant Classification Sherloc (09022015). Collection method: clinical testing. Allele origin: germline.
Comment: This sequence change replaces leucine, which is neutral and non-polar, with valine, which is neutral and non-polar, at codon 35114 of the TTN protein (p.Leu35114Val). This variant is not present in population databases (gnomAD no frequency). This variant has not been reported in the literature in individuals affected with TTN-related conditions. ClinVar contains an entry for this variant (Variation ID: 2179033). An algorithm developed to predict the effect of missense changes on protein structure and function outputs the following: PolyPhen-2: "Not Available". The valine amino acid residue is found in multiple mammalian species, which suggests that this missense change does not adversely affect protein function. This variant is located in the M band of TTN (PMID: 25589632). Non-truncating variants in this region may be relevant for neuromuscular disorders, but have not been definitively shown to cause cardiomyopathy (PMID: 23975875). In summary, the available evidence is currently insufficient to determine the role of this variant in disease. Therefore, it has been classified as a Variant of Uncertain Significance.

Literature cited by the submitters: PubMed 25589632; PubMed 23975875.

NM_001267550.2(TTN):c.105340C>G (p.Leu35114Val)

Genes: TTN-AS1 (TTN antisense RNA 1; plus strand), TTN (titin; minus strand). Cytogenetic location: 2q31.2.
Variant type: single nucleotide variant.
Coding change: c.105340C>G on transcript NM_001267550.2 (MANE Select); coding-DNA position 105340, C replaced by G.
Protein change: p.Leu35114Val; replaces leucine 35114 with valine.
Molecular consequence: missense variant.
Genome position (GRCh38, 1-based): chr2:178,531,275, G>C on the plus strand (C>G on the coding strand, the complement: TTN is on the minus strand). VCF-style: chr2-178531275-G-C. GRCh37 (hg19) VCF-style: chr2-179396002-G-C.
Other names: c.78145C>G, p.Leu26049Val (NM_003319.4); c.97636C>G, p.Leu32546Val (NM_133378.4); c.78520C>G, p.Leu26174Val (NM_133432.3); c.78721C>G, p.Leu26241Val (NM_133437.4); c.100417C>G, p.Leu33473Val (NM_001256850.1); short protein forms L26174V, L33473V, L32546V, L26049V, L26241V, L35114V.
Identifiers: ClinVar variation 2179033 (VCV002179033.4), dbSNP rs1282722810, ClinGen allele CA349408968.
Genomic context (GRCh38, chr2:178,531,275, plus strand): 5'-TTGTTAGAATTCTTGCTGCCAAAGTCGTCTTGATCTTTCTGGTTGTGGATTTTTCTTCCA[G>C]TGACTTTTCTTCTAATGCAGCACTTTTCATTTCTGCAGATGCAGAGTGTTCATATGAGGA-3'
Protein context (NP_001254479.2, residues 35104-35124): MKSAALEEKS[Leu35114Val]EEKSTTRKIK